The following is an entry in ClinVar:

ClinVar aggregate classification (germline): Uncertain significance (1 of 4 stars; one submission).

Allele frequency attached by ClinVar (database versions not stated): ESP Exome Variant Server 0.00015; TOPMed 0.00005; gnomAD 0.00015.
gnomAD v4.1: 103 of 1,611,506 alleles (0.0064%); highest among the groups gnomAD compares: Non-Finnish European, 0.0043%; no homozygotes.

Submission:

Labcorp Genetics (formerly Invitae), Labcorp
Classification: Uncertain significance. Last evaluated: 2025-11-17. Review status: criteria provided, single submitter. Criteria: Invitae Variant Classification Sherloc (09022015). Collection method: clinical testing. Allele origin: germline.
Comment: This sequence change replaces asparagine, which is neutral and polar, with lysine, which is basic and polar, at codon 719 of the NRIP1 protein (p.Asn719Lys). This variant is present in population databases (rs199841733, gnomAD 0.09%), and has an allele count higher than expected for a pathogenic variant. This variant has not been reported in the literature in individuals affected with NRIP1-related conditions. ClinVar contains an entry for this variant (Variation ID: 2756827). An algorithm developed to predict the effect of missense changes on protein structure and function (PolyPhen-2) suggests that this variant is likely to be disruptive. In summary, the available evidence is currently insufficient to determine the role of this variant in disease. Therefore, it has been classified as a Variant of Uncertain Significance.

NM_003489.4(NRIP1):c.2157C>G (p.Asn719Lys)

Gene: NRIP1 (nuclear receptor interacting protein 1; minus strand). Cytogenetic location: 21q11.2.
Variant type: single nucleotide variant.
Coding change: c.2157C>G on transcript NM_003489.4 (MANE Select); coding-DNA position 2157, C replaced by G.
Protein change: p.Asn719Lys; replaces asparagine 719 with lysine.
Molecular consequence: missense variant.
Genome position (GRCh38, 1-based): chr21:14,966,036, G>C on the plus strand (C>G on the coding strand, the complement: NRIP1 is on the minus strand). VCF-style: chr21-14966036-G-C. GRCh37 (hg19) VCF-style: chr21-16338357-G-C.
Other names: short protein forms N719K.
Identifiers: ClinVar variation 2756827 (VCV002756827.3), dbSNP rs199841733, ClinGen allele CA9981202.